The following is an entry in ClinVar:

ClinVar aggregate classification (germline): Uncertain significance. Review status: criteria provided, single submitter (1 of 4 stars). 2 submissions from 2 submitters: Uncertain significance (1). 1 of the submissions does not count toward it. Last evaluated 2025-09-03.

Conditions:
von Willebrand disease type 3 (VWD3). Also called: Type 3 Von Willebrand's disease; Type 3 VWD; Von Willebrand disease, severe form; V WD3; VON WILLEBRAND DISEASE, TYPE III. Identifiers: Orphanet 166096, MedGen C1264041, MONDO:0010191, OMIM 277480.

Allele frequency attached by ClinVar (database versions not stated): gnomAD exomes below 0.00001.
gnomAD v4.1: 3 of 1,614,206 alleles (0.00019%); highest among the groups gnomAD compares: East Asian, 0.0022%; no homozygotes.

Submissions (2):

Quest Diagnostics Nichols Institute San Juan Capistrano
Classification: Uncertain significance. Last evaluated: 2025-09-03. Review status: criteria provided, single submitter. Criteria: Quest Diagnostics criteria. Collection method: clinical testing. Allele origin: unknown.
Comment: The VWF c.6697G>A (p.Glu2233Lys) variant has been reported in the published literature in individuals affected with Type 1 (PMID: 26986123 (2016)) and Type 3 (PMID: 34351388 (2021)) von Willebrand disease (vWD). The frequency of this variant in the general population (Genome Aggregation Database) is uninformative in the assessment of its pathogenicity. Analysis of this variant using bioinformatics tools for the prediction of the effect of amino acid changes on protein structure and function yielded predictions that this variant is damaging. Based on the available information, we are unable to determine the clinical significance of this variant.

Angelo Bianchi Bonomi Hemophilia and Thrombosis Center, Fondazione IRCCS Ca Granda Ospedale Maggiore Policlinico
Classification: Uncertain significance for von Willebrand disease type 3. Last evaluated: 2020-11-01. Review status: no assertion criteria provided. Collection method: clinical testing. Allele origin: germline. Affected: yes. Study: Type 3 Von Willebrand International Registries Inhibitor Prospective Study (3WINTERS-IPS). Not counted in ClinVar's aggregate classification.
Comment: ClinGen Pathogenicity Calculator

Literature cited by the submitters: PubMed 31968368 (cited by Quest Diagnostics Nichols Institute San Juan Capistrano); PubMed 34351388 (cited by Quest Diagnostics Nichols Institute San Juan Capistrano); PubMed 26986123 (cited by Quest Diagnostics Nichols Institute San Juan Capistrano).

NM_000552.5(VWF):c.6697G>A (p.Glu2233Lys)

Gene: VWF (von Willebrand factor; minus strand). Cytogenetic location: 12p13.31.
Variant type: single nucleotide variant.
Coding change: c.6697G>A on transcript NM_000552.5 (MANE Select); coding-DNA position 6697, G replaced by A.
Protein change: p.Glu2233Lys; replaces glutamic acid 2233 with lysine.
Molecular consequence: missense variant.
Genome position (GRCh38, 1-based): chr12:5,991,920, C>T on the plus strand (G>A on the coding strand, the complement: VWF is on the minus strand). VCF-style: chr12-5991920-C-T. GRCh37 (hg19) VCF-style: chr12-6101086-C-T.
Other names: c.6697G>A (NM_000552.4); short protein forms E2233K.
Identifiers: ClinVar variation 1065287 (VCV001065287.4), dbSNP rs61750623, ClinGen allele CA383490068.
Genomic context (GRCh38, chr12:5,991,920, plus strand): 5'-CCTCTTCAGGGACACAGCTGCCTTCCAACATGACTTTATCTGGAGGGCAGAAACAGCCTT[C>T]GGAGGGATGGTCCCCACAGGAGCTCACGTTGCCATCACAGTGCCGGGGACAGCCATGCTC-3'
Protein context (NP_000543.3, residues 2223-2243): NVSSCGDHPS[Glu2233Lys]GCFCPPDKVM